The following is an entry in ClinVar:

NM_001429.4(EP300):c.4724A>G (p.Asn1575Ser)

Gene: EP300 (EP300 lysine acetyltransferase; plus strand). Cytogenetic location: 22q13.2.
Variant type: single nucleotide variant.
Coding change: c.4724A>G on transcript NM_001429.4 (MANE Select); coding-DNA position 4724, A replaced by G.
Protein change: p.Asn1575Ser; replaces asparagine 1575 with serine.
Molecular consequence: missense variant.
Genome position (GRCh38, 1-based): chr22:41,173,729, A>G. VCF-style: chr22-41173729-A-G. GRCh37 (hg19) VCF-style: chr22-41569733-A-G.
Other names: c.4646A>G, p.Asn1549Ser (NM_001362843.2); short protein forms N1575S, N1549S.
Identifiers: ClinVar variation 499721 (VCV000499721.29), dbSNP rs144547088, ClinGen allele CA10253502.
Genomic context (GRCh38, chr22:41,173,729, plus strand): 5'-AAACCAGCAAAAATAAGAGCAGCCTGAGTAGGGGCAACAAGAAGAAACCCGGGATGCCCA[A>G]TGTATCTAACGACCTCTCACAGAAACTATATGCCACCATGGAGAAGCATAAAGAGGTAAG-3'
Protein context (NP_001420.2, residues 1565-1585): RGNKKKPGMP[Asn1575Ser]VSNDLSQKLY

ClinVar aggregate classification (germline): Conflicting classifications of pathogenicity. Review status: criteria provided, conflicting classifications (1 of 4 stars). 7 submissions from 7 submitters: Uncertain significance (1); Likely benign (5). 1 of the submissions does not count toward it. Last evaluated 2026-06-01.

Conditions:
Inborn genetic diseases. Identifiers: MedGen C0950123, MeSH D030342.
EP300-related disorder. Also called: EP300-related condition; EP300-related disorders.
Rubinstein-Taybi syndrome due to EP300 haploinsufficiency. Also called: EP300-Related Rubinstein-Taybi Syndrome; RUBINSTEIN-TAYBI SYNDROME 2. Identifiers: Orphanet 353284, Orphanet 783, MedGen C3150941, MONDO:0013364, OMIM 613684.

Allele frequency attached by ClinVar (database versions not stated): gnomAD 0.00026 and 0.00023; ESP Exome Variant Server 0.00038; ExAC 0.00015; gnomAD exomes 0.00015; TOPMed 0.00024.
gnomAD v4.1: 236 of 1,614,112 alleles (0.015%); highest among the groups gnomAD compares: South Asian, 0.047%; 2 homozygotes.

Submissions (7):

CeGaT Center for Human Genetics Tuebingen
Classification: Likely benign. Last evaluated: 2026-06-01. Review status: criteria provided, single submitter. Criteria: CeGaT Center For Human Genetics Tuebingen Variant Classification Criteria Version 2. Collection method: clinical testing. Allele origin: germline. Affected: yes. Observed: 2 variant alleles.
Comment: EP300: BS2

Labcorp Genetics (formerly Invitae), Labcorp
Classification: Likely benign for Rubinstein-Taybi syndrome due to EP300 haploinsufficiency. Last evaluated: 2025-10-18. Review status: criteria provided, single submitter. Criteria: Invitae Variant Classification Sherloc (09022015). Collection method: clinical testing. Allele origin: germline.

Ambry Genetics
Classification: Likely benign for Inborn genetic diseases. Last evaluated: 2025-04-25. Review status: criteria provided, single submitter. Criteria: Ambry Variant Classification Scheme 2023. Collection method: clinical testing. Allele origin: germline.

Blueprint Genetics
Classification: Likely benign. Last evaluated: 2024-09-24. Review status: criteria provided, single submitter. Criteria: ACMG Guidelines, 2015. Collection method: clinical testing. Allele origin: germline.

GeneDx
Classification: Likely benign. Last evaluated: 2021-04-20. Review status: criteria provided, single submitter. Criteria: GeneDx Variant Classification Process June 2021. Collection method: clinical testing. Allele origin: germline. Affected: yes.

Eurofins Ntd Llc (ga)
Classification: Uncertain significance. Last evaluated: 2017-01-09. Review status: criteria provided, single submitter. Criteria: EGL Classification Definitions 2015. Collection method: clinical testing. Allele origin: germline. Observed: 1 variant allele, 1 heterozygote.

PreventionGenetics, part of Exact Sciences
Classification: Likely benign for EP300-related condition. Last evaluated: 2022-11-10. Review status: no assertion criteria provided. Collection method: clinical testing. Allele origin: germline. Not counted in ClinVar's aggregate classification.
Comment: This variant is classified as likely benign based on ACMG/AMP sequence variant interpretation guidelines (Richards et al. 2015 PMID: 25741868, with internal and published modifications).